The following is an entry in ClinVar:

NM_005475.3(SH2B3):c.515C>T (p.Thr172Ile)

Gene: SH2B3 (SH2B adaptor protein 3; plus strand). Cytogenetic location: 12q24.12.
Variant type: single nucleotide variant.
Coding change: c.515C>T on transcript NM_005475.3 (MANE Select); coding-DNA position 515, C replaced by T.
Protein change: p.Thr172Ile; replaces threonine 172 with isoleucine.
Molecular consequence: missense variant.
Genome position (GRCh38, 1-based): chr12:111,418,660, C>T. VCF-style: chr12-111418660-C-T. GRCh37 (hg19) VCF-style: chr12-111856464-C-T.
Other names: short protein forms T172I.
Identifiers: ClinVar variation 3440777 (VCV003440777.1).

ClinVar aggregate classification (germline): Uncertain significance (1 of 4 stars; one submission).

Conditions:
Inborn genetic diseases. Identifiers: MedGen C0950123, MeSH D030342.

gnomAD v4.1: 1 of 1,487,188 alleles (0.000067%); highest among the groups gnomAD compares: Non-Finnish European, 0.000089%; no homozygotes.

Submission:

Ambry Genetics
Classification: Uncertain significance for Inborn genetic diseases. Last evaluated: 2024-11-23. Review status: criteria provided, single submitter. Criteria: Ambry Variant Classification Scheme 2023. Collection method: clinical testing. Allele origin: germline.
Comment: The p.T172I variant (also known as c.515C>T), located in coding exon 1 of the SH2B3 gene, results from a C to T substitution at nucleotide position 515. The threonine at codon 172 is replaced by isoleucine, an amino acid with similar properties. This amino acid position is conserved. In addition, this alteration is predicted to be tolerated by in silico analysis. Based on the available evidence, the clinical significance of this variant remains unclear.